The following is an entry in ClinVar:

NM_000562.3(C8A):c.316+3G>A

Gene: C8A (complement C8 alpha chain; plus strand). Cytogenetic location: 1p32.2.
Variant type: single nucleotide variant.
Coding change: c.316+3G>A on transcript NM_000562.3 (MANE Select); 3 bases into the intron after coding-DNA position 316, G replaced by A.
Molecular consequence: intron variant.
Genome position (GRCh38, 1-based): chr1:56,875,096, G>A. VCF-style: chr1-56875096-G-A. GRCh37 (hg19) VCF-style: chr1-57340769-G-A.
Identifiers: ClinVar variation 1397219 (VCV001397219.5), dbSNP rs764008804, ClinGen allele CA874983.
Genomic context (GRCh38, chr1:56,875,096, plus strand): 5'-TCTACAACTTGTGTAAGGCAAGCACAGTGTGGACAGGATTTCCAGTGTAAGGAGACAGGT[G>A]AGTAGCATTTCAGCAGAATAACAGCTGTGCCTGTCAAAAGTGACATGTGAAACACTTCCC-3'

ClinVar aggregate classification (germline): Uncertain significance (1 of 4 stars; one submission).

Allele frequency attached by ClinVar (database versions not stated): gnomAD exomes below 0.00001; ExAC 0.00001.

Submission:

Labcorp Genetics (formerly Invitae), Labcorp
Classification: Uncertain significance. Last evaluated: 2021-08-30. Review status: criteria provided, single submitter. Criteria: Invitae Variant Classification Sherloc (09022015). Collection method: clinical testing. Allele origin: germline.
Comment: This sequence change falls in intron 3 of the C8A gene. It does not directly change the encoded amino acid sequence of the C8A protein. It affects a nucleotide within the consensus splice site of the intron. This variant is present in population databases (rs764008804, ExAC 0.002%). This variant has not been reported in the literature in individuals affected with C8A-related conditions. Variants that disrupt the consensus splice site are a relatively common cause of aberrant splicing (PMID: 17576681, 9536098). Algorithms developed to predict the effect of sequence changes on RNA splicing suggest that this variant is not likely to affect RNA splicing. In summary, the available evidence is currently insufficient to determine the role of this variant in disease. Therefore, it has been classified as a Variant of Uncertain Significance.

Literature cited by the submitters: PubMed 17576681; PubMed 9536098.